The following is an entry in ClinVar:

NM_000361.3(THBD):c.550G>A (p.Ala184Thr)

Gene: THBD (thrombomodulin; minus strand). Cytogenetic location: 20p11.21.
Variant type: single nucleotide variant.
Coding change: c.550G>A on transcript NM_000361.3 (MANE Select); coding-DNA position 550, G replaced by A.
Protein change: p.Ala184Thr; replaces alanine 184 with threonine.
Molecular consequence: missense variant.
Genome position (GRCh38, 1-based): chr20:23,048,955, C>T on the plus strand (G>A on the coding strand, the complement: THBD is on the minus strand). VCF-style: chr20-23048955-C-T. GRCh37 (hg19) VCF-style: chr20-23029592-C-T.
Other names: short protein forms A184T.
Identifiers: ClinVar variation 2051993 (VCV002051993.4), dbSNP rs1016890779, ClinGen allele CA313551979.

ClinVar aggregate classification (germline): Uncertain significance (1 of 4 stars; one submission).

Allele frequency attached by ClinVar (database versions not stated): TOPMed 0.00003; gnomAD 0.00002.

Submission:

Labcorp Genetics (formerly Invitae), Labcorp
Classification: Uncertain significance. Last evaluated: 2022-07-26. Review status: criteria provided, single submitter. Criteria: Invitae Variant Classification Sherloc (09022015). Collection method: clinical testing. Allele origin: germline.
Comment: This variant has not been reported in the literature in individuals affected with THBD-related conditions. This variant is not present in population databases (gnomAD no frequency). This sequence change replaces alanine, which is neutral and non-polar, with threonine, which is neutral and polar, at codon 184 of the THBD protein (p.Ala184Thr). Algorithms developed to predict the effect of missense changes on protein structure and function output the following: SIFT: "Tolerated"; PolyPhen-2: "Benign"; Align-GVGD: "Class C0". The threonine amino acid residue is found in multiple mammalian species, which suggests that this missense change does not adversely affect protein function. In summary, the available evidence is currently insufficient to determine the role of this variant in disease. Therefore, it has been classified as a Variant of Uncertain Significance.